The following is an entry in ClinVar:

NM_032551.5(KISS1R):c.750G>T (p.Leu250=)

Gene: KISS1R (KISS1 receptor; plus strand). Cytogenetic location: 19p13.3.
Variant type: single nucleotide variant.
Coding change: c.750G>T on transcript NM_032551.5 (MANE Select); coding-DNA position 750, G replaced by T.
Protein change: p.Leu250=; no amino-acid change (leucine 250 retained).
Molecular consequence: synonymous variant.
Genome position (GRCh38, 1-based): chr19:920,301, G>T. VCF-style: chr19-920301-G-T. GRCh37 (hg19) VCF-style: chr19-920301-G-T.
Identifiers: ClinVar variation 3047532 (VCV003047532.2), dbSNP rs758432324, ClinGen allele CA402916470.

ClinVar aggregate classification (germline): Likely benign (0 of 4 stars; one submission).

Conditions:
KISS1R-related disorder. Also called: KISS1R-related condition.

Allele frequency attached by ClinVar (database versions not stated): TOPMed 0.00002.
gnomAD v4.1: 10 of 1,571,206 alleles (0.00064%); no homozygotes.

Submission:

PreventionGenetics, part of Exact Sciences
Classification: Likely benign for KISS1R-related condition. Last evaluated: 2019-03-11. Review status: no assertion criteria provided. Collection method: clinical testing. Allele origin: germline.
Comment: This variant is classified as likely benign based on ACMG/AMP sequence variant interpretation guidelines (Richards et al. 2015 PMID: 25741868, with internal and published modifications).